The following is an entry in ClinVar:

ClinVar aggregate classification (germline): Likely benign (1 of 4 stars; one submission).

Submission:

CeGaT Center for Human Genetics Tuebingen
Classification: Likely benign. Last evaluated: 2022-07-01. Review status: criteria provided, single submitter. Criteria: CeGaT Center For Human Genetics Tuebingen Variant Classification Criteria Version 2. Collection method: clinical testing. Allele origin: germline. Affected: yes. Observed: 1 variant allele.
Comment: SETD1A: PM2:Supporting, BP4, BP7

NM_014712.3(SETD1A):c.3225C>G (p.Pro1075=)

Gene: SETD1A (SET domain containing 1A, histone lysine methyltransferase; plus strand). Cytogenetic location: 16p11.2.
Variant type: single nucleotide variant.
Coding change: c.3225C>G on transcript NM_014712.3 (MANE Select); coding-DNA position 3225, C replaced by G.
Protein change: p.Pro1075=; no amino-acid change (proline 1075 retained).
Molecular consequence: synonymous variant.
Genome position (GRCh38, 1-based): chr16:30,971,586, C>G. VCF-style: chr16-30971586-C-G. GRCh37 (hg19) VCF-style: chr16-30982907-C-G.
Identifiers: ClinVar variation 2646446 (VCV002646446.24), dbSNP rs2543882131, ClinGen allele CA494918619.
Genomic context (GRCh38, chr16:30,971,586, plus strand): 5'-TTCATCCTCTGAGTCCTCCTCTGAAGATGAAGAGGAAGAGGAGCGGCCAGCAGCCCTTCC[C>G]TCAGCCTCCCCGCCCCCCAGAGAAGTCCCAGTGCCCACGCCAGCACCTGTGGAGGTGCCA-3'
Protein context (NP_055527.1, residues 1065-1085): EEEEERPAAL[Pro1075=]SASPPPREVP